The following is an entry in ClinVar:

NC_000016.10:g.88323378_88336956del

Variant type: Deletion.
Identifiers: ClinVar variation 974126 (VCV000974126.1).

ClinVar aggregate classification (germline): Pathogenic (0 of 4 stars; one submission).

Conditions:
Fanconi anemia complementation group A (FANCA). Also called: Fanconi anemia, group A; FANCA-Related Fanconi Anemia. Identifiers: Orphanet 84, MedGen C3469521, MONDO:0009215, OMIM 227650.

Submission:

Leiden Open Variation Database
Classification: Pathogenic for Fanconi anemia complementation group A. Last evaluated: 2020-02-28. Review status: no assertion criteria provided. Collection method: curation. Allele origin: germline. Affected: yes.
Comment: Curator: Arleen D. Auerbach. Submitter to LOVD: Arleen D. Auerbach.

Literature cited by the submitters: PubMed 25168418.